The following is an entry in ClinVar:

ClinVar aggregate classification (germline): Uncertain significance (1 of 4 stars; one submission).

Conditions:
Inborn genetic diseases. Identifiers: MedGen C0950123, MeSH D030342.

gnomAD v4.1: 1 of 1,582,544 alleles (0.000063%); highest among the groups gnomAD compares: African/African-American, 0.0013%; no homozygotes.

Submission:

Ambry Genetics
Classification: Uncertain significance for Inborn genetic diseases. Last evaluated: 2025-02-14. Review status: criteria provided, single submitter. Criteria: Ambry Variant Classification Scheme 2023. Collection method: clinical testing. Allele origin: germline.
Comment: The p.N604S variant (also known as c.1811A>G), located in coding exon 11 of the FANCM gene, results from an A to G substitution at nucleotide position 1811. The asparagine at codon 604 is replaced by serine, an amino acid with highly similar properties. This amino acid position is conserved. In addition, this alteration is predicted to be tolerated by in silico analysis. Based on the available evidence, the clinical significance of this variant remains unclear.

NM_020937.4(FANCM):c.1811A>G (p.Asn604Ser)

Gene: FANCM (FA complementation group M; plus strand). Cytogenetic location: 14q21.2.
Variant type: single nucleotide variant.
Coding change: c.1811A>G on transcript NM_020937.4 (MANE Select); coding-DNA position 1811, A replaced by G.
Protein change: p.Asn604Ser; replaces asparagine 604 with serine.
Molecular consequence: missense variant.
Genome position (GRCh38, 1-based): chr14:45,166,972, A>G. VCF-style: chr14-45166972-A-G. GRCh37 (hg19) VCF-style: chr14-45636175-A-G.
Other names: c.1733A>G, p.Asn578Ser (NM_001308133.2); c.1811A>G, p.Asn604Ser (NM_001308134.2); short protein forms N578S, N604S.
Identifiers: ClinVar variation 3848730 (VCV003848730.1).